The following is an entry in ClinVar:

ClinVar aggregate classification (germline): Uncertain significance (1 of 4 stars; one submission).

gnomAD v4.1: 10 of 1,251,614 alleles (0.0008%); highest among the groups gnomAD compares: Non-Finnish European, 0.001%; no homozygotes.

Submission:

Ambry Genetics
Classification: Uncertain significance. Last evaluated: 2024-12-31. Review status: criteria provided, single submitter. Criteria: Ambry Variant Classification Scheme 2023. Collection method: clinical testing. Allele origin: germline.
Comment: The p.R30P variant (also known as c.89G>C), located in coding exon 1 of the WNK2 gene, results from a G to C substitution at nucleotide position 89. The arginine at codon 30 is replaced by proline, an amino acid with dissimilar properties. This amino acid position is conserved. In addition, this alteration is predicted to be tolerated by in silico analysis. Based on the available evidence, the clinical significance of this variant remains unclear.

NM_006648.4(WNK2):c.89G>C (p.Arg30Pro)

Gene: WNK2 (WNK lysine deficient protein kinase 2; plus strand). Cytogenetic location: 9q22.31.
Variant type: single nucleotide variant.
Coding change: c.89G>C on transcript NM_006648.4 (MANE Select); coding-DNA position 89, G replaced by C.
Protein change: p.Arg30Pro; replaces arginine 30 with proline.
Molecular consequence: missense variant.
Genome position (GRCh38, 1-based): chr9:93,185,018, G>C. VCF-style: chr9-93185018-G-C. GRCh37 (hg19) VCF-style: chr9-95947300-G-C.
Other names: c.89G>C, p.Arg30Pro (NM_001282394.3); short protein forms R30P.
Identifiers: ClinVar variation 3816680 (VCV003816680.1).